The following is an entry in ClinVar:

ClinVar aggregate classification (germline): Uncertain significance. Review status: criteria provided, single submitter (1 of 4 stars). 2 submissions from 1 submitter: Uncertain significance (2). Last evaluated 2025-11-18.

Conditions:
Hypoplastic left heart syndrome. Also called: Hypoplastic left ventricle; Hypoplastic left heart. Identifiers: Orphanet 2248, MedGen C0152101, MONDO:0004933, HP:0004383.
Congenital heart anomalies.

Submissions (2):

Clinical Genetics Laboratory, Skane University Hospital Lund
Classification: Uncertain significance for Hypoplastic left heart syndrome. Last evaluated: 2025-11-18. Review status: criteria provided, single submitter. Criteria: ACMG Guidelines, 2015. Collection method: clinical testing. Allele origin: germline. Inheritance: Autosomal dominant inheritance. Affected: yes.
Comment: PM2, PP2, PP3

Clinical Genetics Laboratory, Skane University Hospital Lund
Classification: Uncertain significance. Last evaluated: 2025-06-25. Review status: criteria provided, single submitter. Criteria: ACMG Guidelines, 2015. Collection method: clinical testing. Allele origin: germline. Affected: yes.
Comment: ACMG criteria used: PM2, PP2, PP3

NM_024408.4(NOTCH2):c.5183A>T (p.Glu1728Val)

Gene: NOTCH2 (notch receptor 2; minus strand). Cytogenetic location: 1p12.
Variant type: single nucleotide variant.
Coding change: c.5183A>T on transcript NM_024408.4 (MANE Select); coding-DNA position 5183, A replaced by T.
Protein change: p.Glu1728Val; replaces glutamic acid 1728 with valine.
Molecular consequence: missense variant.
Genome position (GRCh38, 1-based): chr1:119,922,266, T>A on the plus strand (A>T on the coding strand, the complement: NOTCH2 is on the minus strand). VCF-style: chr1-119922266-T-A. GRCh37 (hg19) VCF-style: chr1-120464889-T-A.
Other names: short protein forms E1728V.
Identifiers: ClinVar variation 3906262 (VCV003906262.2).
Genomic context (GRCh38, chr1:119,922,266, plus strand): 5'-GAATAGTGGCTTATTGGCAATGCCTCTTACTTCAGCCCCACAGCATCCTGTCCCACTGGC[T>A]CACGACGCTTGTGATTGCTTGCATCTCGGCGAAGAGTGAAACCTTCAGGCAGCCAGAGAG-3'
Protein context (NP_077719.2, residues 1718-1738): RRDASNHKRR[Glu1728Val]PVGQDAVGLK